The following is an entry in ClinVar:

ClinVar aggregate classification (germline): Uncertain significance (1 of 4 stars; one submission).

Conditions:
Cardiovascular phenotype. Identifiers: MedGen CN230736.

Submission:

Ambry Genetics
Classification: Uncertain significance for Cardiovascular phenotype. Last evaluated: 2016-06-16. Review status: criteria provided, single submitter. Criteria: Ambry Variant Classification Scheme 2023. Collection method: clinical testing. Allele origin: germline.
Comment: The c.3824_*22del24 variant occurs at the 3' terminus of coding exon 34 and spans into the 3' untranslated region (UTR) of the MYBPC3 gene. This variant results from a deletion of 24 nucleotides at positions c.3824 to c.*22, causing a translational frameshift with a predicted alternate stop codon resulting in the elongation of the protein by 68 amino acids. This variant was not reported in population-based cohorts in the following databases: Database of Single Nucleotide Polymorphisms (dbSNP), NHLBI Exome Sequencing Project (ESP) and 1000 Genomes Project. Per ACMG guidelines this variant could be interpreted as a disease-causing mutation (ACMG Recommendations for Standards for Interpretation and Reporting of Sequence Variations. Revision 2007. Genet Med 2008;10:294); however this deletion and subsequent frameshift occur at the 3' terminus of MYBPC3 and results in the elongation of the protein. The exact functional impact of these inserted amino acids is unknown at this time. Since supporting evidence is limited at this time, the clinical significance of c.3824_*22del24 remains unclear.

NM_000256.3(MYBPC3):c.3824_*22del (p.Ter1275Xaa)

Gene: MYBPC3 (myosin binding protein C3; minus strand). Cytogenetic location: 11p11.2.
Variant type: Deletion.
Coding change: c.3824_*22del on transcript NM_000256.3 (MANE Select); coding-DNA position 3824 through 22 bases downstream of the stop codon, 24 bases deleted (GACCAGGCTGGCTCCTGGGGATGG).
Protein change: p.Ter1275Xaa.
Molecular consequence: stop lost.
Genome position (GRCh38, 1-based): chr11:47,331,849-47,331,872, CCATCCCCAGGAGCCAGCCTGGTC deleted on the plus strand (GACCAGGCTGGCTCCTGGGGATGG on the coding strand, the reverse complement: MYBPC3 is on the minus strand). VCF-style (leftmost placement, unchanged base first): chr11-47331848-GCCATCCCCAGGAGCCAGCCTGGTC-G. GRCh37 (hg19) VCF-style: chr11-47353399-GCCATCCCCAGGAGCCAGCCTGGTC-G.
Other names: c.3824_*22del24 (NM_000256.3).
Identifiers: ClinVar variation 1735286 (VCV001735286.2), dbSNP rs2495732272, ClinGen allele CA2580084159.